The following is an entry in ClinVar:

NM_001164508.2(NEB):c.1999G>A (p.Ala667Thr)

Gene: NEB (nebulin; minus strand). Cytogenetic location: 2q23.3.
Variant type: single nucleotide variant.
Coding change: c.1999G>A on transcript NM_001164508.2 (MANE Select); coding-DNA position 1999, G replaced by A.
Protein change: p.Ala667Thr; replaces alanine 667 with threonine.
Molecular consequence: missense variant.
Genome position (GRCh38, 1-based): chr2:151,692,166, C>T on the plus strand (G>A on the coding strand, the complement: NEB is on the minus strand). VCF-style: chr2-151692166-C-T. GRCh37 (hg19) VCF-style: chr2-152548680-C-T.
Other names: c.1999G>A, p.Ala667Thr (NM_001164507.2, NM_001271208.2, NM_004543.5); short protein forms A667T.
Identifiers: ClinVar variation 465530 (VCV000465530.6), dbSNP rs750186349, ClinGen allele CA1911362.

ClinVar aggregate classification (germline): Uncertain significance. Review status: criteria provided, single submitter (1 of 4 stars). 2 submissions from 2 submitters: Uncertain significance (1). 1 of the submissions does not count toward it. Last evaluated 2022-08-14.

Conditions:
Nemaline myopathy 2 (NEM2). Also called: Nemaline myopathy 2, autosomal recessive. Identifiers: MedGen C1850569, MONDO:0009725, OMIM 256030.

Allele frequency attached by ClinVar (database versions not stated): gnomAD 0.00001 and 0.00002; gnomAD exomes 0.00001 and 0.00002; ExAC 0.00002; TOPMed 0.00002.
gnomAD v4.1: 34 of 1,611,770 alleles (0.0021%); highest among the groups gnomAD compares: Non-Finnish European, 0.0027%; no homozygotes.

Submissions (2):

Labcorp Genetics (formerly Invitae), Labcorp
Classification: Uncertain significance for Nemaline myopathy 2. Last evaluated: 2022-08-14. Review status: criteria provided, single submitter. Criteria: Invitae Variant Classification Sherloc (09022015). Collection method: clinical testing. Allele origin: germline.
Comment: This sequence change replaces alanine, which is neutral and non-polar, with threonine, which is neutral and polar, at codon 667 of the NEB protein (p.Ala667Thr). This variant is present in population databases (rs750186349, gnomAD 0.003%). This variant has not been reported in the literature in individuals affected with NEB-related conditions. ClinVar contains an entry for this variant (Variation ID: 465530). Algorithms developed to predict the effect of missense changes on protein structure and function output the following: SIFT: "Tolerated"; PolyPhen-2: "Not Available"; Align-GVGD: "Class C0". The threonine amino acid residue is found in multiple mammalian species, which suggests that this missense change does not adversely affect protein function. In summary, the available evidence is currently insufficient to determine the role of this variant in disease. Therefore, it has been classified as a Variant of Uncertain Significance.

Natera, Inc.
Classification: Uncertain significance for Nemaline myopathy type 2. Last evaluated: 2019-11-11. Review status: no assertion criteria provided. Collection method: clinical testing. Allele origin: germline. Not counted in ClinVar's aggregate classification.